The following is an entry in ClinVar:

ClinVar aggregate classification (germline): Likely pathogenic (1 of 4 stars; one submission).

Conditions:
LAMA2-related muscular dystrophy (LAMA2-RD). Also called: Laminin alpha 2-related dystrophy. Identifiers: MedGen C5679788, MONDO:0100228.

Allele frequency attached by ClinVar (database versions not stated): TOPMed below 0.00001.
gnomAD v4.1: 1 of 1,613,682 alleles (0.000062%); highest among the groups gnomAD compares: African/African-American, 0.0013%; no homozygotes.

Submission:

Labcorp Genetics (formerly Invitae), Labcorp
Classification: Likely pathogenic for LAMA2-related muscular dystrophy. Last evaluated: 2023-04-01. Review status: criteria provided, single submitter. Criteria: Invitae Variant Classification Sherloc (09022015). Collection method: clinical testing. Allele origin: germline.
Comment: Algorithms developed to predict the effect of sequence changes on RNA splicing suggest that this variant may disrupt the consensus splice site. This sequence change affects a donor splice site in intron 12 of the LAMA2 gene. It is expected to disrupt RNA splicing. Variants that disrupt the donor or acceptor splice site typically lead to a loss of protein function (PMID: 16199547), and loss-of-function variants in LAMA2 are known to be pathogenic (PMID: 18700894, 32904964). This variant is not present in population databases (gnomAD no frequency). This variant has not been reported in the literature in individuals affected with LAMA2-related conditions. In summary, the currently available evidence indicates that the variant is pathogenic, but additional data are needed to prove that conclusively. Therefore, this variant has been classified as Likely Pathogenic.

Literature cited by the submitters: PubMed 16199547; PubMed 18700894; PubMed 32904964.

NM_000426.4(LAMA2):c.1782+1G>A

Gene: LAMA2 (laminin subunit alpha 2; plus strand). Cytogenetic location: 6q22.33.
Variant type: single nucleotide variant.
Coding change: c.1782+1G>A on transcript NM_000426.4 (MANE Select); the canonical splice donor site of the intron after coding-DNA position 1782, G replaced by A.
Molecular consequence: splice donor variant.
Genome position (GRCh38, 1-based): chr6:129,192,854, G>A. VCF-style: chr6-129192854-G-A. GRCh37 (hg19) VCF-style: chr6-129513999-G-A.
Other names: c.1782+1G>A (NM_001079823.2).
Identifiers: ClinVar variation 2875681 (VCV002875681.3), dbSNP rs1217170426, ClinGen allele CA365608454.
Genomic context (GRCh38, chr6:129,192,854, plus strand): 5'-CGGCAAGCCCTGCCGCACAGCTACTACTGGAGCGCGCCGGCTCCCTATCTGGGAAACAAA[G>A]TAAGTCCACGCTTGCTTCCCGCTATTCTGCTTTAACTGACTGATCGTGAGAATGGGTTTT-3'